The following is an entry in ClinVar:

NM_001288590.2(ZKSCAN7):c.1821T>C (p.Phe607=)

Genes: ZKSCAN7 (zinc finger with KRAB and SCAN domains 7; plus strand), ZKSCAN7-AS1 (ZKSCAN7 ZNF cluster antisense RNA 1; minus strand). Cytogenetic location: 3p21.31.
Variant type: single nucleotide variant.
Coding change: c.1821T>C on transcript NM_001288590.2 (MANE Select); coding-DNA position 1821, T replaced by C.
Protein change: p.Phe607=; no amino-acid change (phenylalanine 607 retained).
Molecular consequence: synonymous variant. On other transcripts: intron variant (3).
Genome position (GRCh38, 1-based): chr3:44,570,931, T>C. VCF-style: chr3-44570931-T-C. GRCh37 (hg19) VCF-style: chr3-44612423-T-C.
Other names: c.1821T>C, p.Phe607= (NM_018651.4); c.811+2498T>C (NM_025169.3, NM_001288591.2); c.1102+266T>C (NM_001288592.2).
Identifiers: ClinVar variation 2653724 (VCV002653724.24), dbSNP rs2529285882, ClinGen allele CA433402336.
Genomic context (GRCh38, chr3:44,570,931, plus strand): 5'-CTTCAATCAGAACTCTCAACTCATTGAGCATGAGCGAATTCATACTGGAGAAAAACCTTT[T>C]GAATGTAGCGAGTGTGGTAAGGCATTTGGTCTGAGTAAATGTCTTATTCGGCACCAGAGA-3'
Protein context (NP_001275519.1, residues 597-617): HERIHTGEKP[Phe607=]ECSECGKAFG

ClinVar aggregate classification (germline): Likely benign (1 of 4 stars; one submission).

Submission:

CeGaT Center for Human Genetics Tuebingen
Classification: Likely benign. Last evaluated: 2022-10-01. Review status: criteria provided, single submitter. Criteria: CeGaT Center For Human Genetics Tuebingen Variant Classification Criteria Version 2. Collection method: clinical testing. Allele origin: germline. Affected: yes. Observed: 1 variant allele.
Comment: ZKSCAN7: PM2:Supporting, BP4, BP7